The following is an entry in ClinVar:

ClinVar aggregate classification (germline): Pathogenic. Review status: reviewed by expert panel (3 of 4 stars). 6 submissions from 6 submitters: Pathogenic (1). 5 of the submissions do not count toward it. Last evaluated 2016-09-08.

Conditions:
Hereditary breast ovarian cancer syndrome. Also called: Hereditary breast and ovarian cancer syndrome; Hereditary breast and ovarian cancer; Hereditary breast and ovarian cancer syndrome (HBOC); Breast and ovarian cancer; Hereditary breast and/or ovarian cancer syndrome; BRCA1- and BRCA2-Associated Hereditary Breast and Ovarian Cancer. Identifiers: Orphanet 145, MedGen C0677776, MeSH D061325, MONDO:0003582. Disease mechanism: loss of function.
Hereditary cancer-predisposing syndrome. Also called: Neoplastic Syndromes, Hereditary; Tumor predisposition; Hereditary neoplastic syndrome; Hereditary Cancer Syndrome. Identifiers: Orphanet 140162, MedGen C0027672, MeSH D009386, MONDO:0015356.
Breast-ovarian cancer, familial, susceptibility to, 2 (BROVCA2). Also called: BRCA2 Hereditary Breast and Ovarian Cancer. Identifiers: Orphanet 145, MedGen C2675520, MONDO:0012933, OMIM 612555. Disease mechanism: loss of function.

Submissions (6):

Evidence-based Network for the Interpretation of Germline Mutant Alleles (ENIGMA)
Classification: Pathogenic for Breast-ovarian cancer, familial, susceptibility to, 2. Last evaluated: 2016-09-08. Review status: reviewed by expert panel. Criteria: ENIGMA BRCA1/2 Classification Criteria (2015). Collection method: curation. Allele origin: germline.
Comment: Variant allele predicted to encode a truncated non-functional protein.

Ambry Genetics
Classification: Pathogenic for Hereditary cancer-predisposing syndrome. Last evaluated: 2023-11-21. Review status: criteria provided, single submitter. Criteria: Ambry Variant Classification Scheme 2023. Collection method: clinical testing. Allele origin: germline. Not counted in ClinVar's aggregate classification.
Comment: The c.8848delAinsCT pathogenic mutation, located in coding exon 21 of the BRCA2 gene, results from the deletion of one nucleotide and insertion of two nucleotides causing a translational frameshift with a predicted alternate stop codon (p.K2950Lfs*7). This mutation has been detected in multiple individuals with Hereditary Breast and Ovarian cancer Syndrome (Lubinski et al., Fam. Cancer 2004 ;3(1):1-10; Rebbeck et al. Hum. Mutat. 2018 05;39(5):593-620). Of note, this alteration is also designated as 9076delAinsCT in published literature. In addition to the clinical data presented in the literature, this alteration is expected to result in loss of function by premature protein truncation or nonsense-mediated mRNA decay. As such, this alteration is interpreted as a disease-causing mutation.

Quest Diagnostics Nichols Institute San Juan Capistrano
Classification: Pathogenic. Last evaluated: 2019-02-14. Review status: criteria provided, single submitter. Criteria: Quest Diagnostics criteria. Collection method: clinical testing. Allele origin: germline. Not counted in ClinVar's aggregate classification.
Comment: The variant results in a shift of the reading frame, and is therefore predicted to result in the loss of a functional protein. Found in at least one symptomatic patient, and not found in general population data.

Consortium of Investigators of Modifiers of BRCA1/2 (CIMBA), c/o University of Cambridge
Classification: Pathogenic for Breast-ovarian cancer, familial, susceptibility to, 2. Last evaluated: 2015-10-02. Review status: criteria provided, single submitter. Criteria: CIMBA Mutation Classification guidelines May 2016. Collection method: clinical testing. Allele origin: germline. Not counted in ClinVar's aggregate classification.

Research Molecular Genetics Laboratory, Women's College Hospital, University of Toronto
Classification: Pathogenic for Hereditary breast ovarian cancer syndrome. Last evaluated: 2014-01-31. Review status: no assertion criteria provided. Collection method: research. Allele origin: germline. Affected: yes. Study: The Canadian Open Genetics Repository (COGR). Not counted in ClinVar's aggregate classification.

Breast Cancer Information Core (BIC) (BRCA2)
Classification: Pathogenic for Breast-ovarian cancer, familial 2. Last evaluated: 2001-02-16. Review status: no assertion criteria provided. Collection method: clinical testing. Allele origin: germline. Affected: yes. Observed: 2 variant alleles. Not counted in ClinVar's aggregate classification.

Literature cited by the submitters: PubMed 15131399 (cited by Quest Diagnostics Nichols Institute San Juan Capistrano).

NM_000059.4(BRCA2):c.8848delinsCT (p.Lys2950fs)

Gene: BRCA2 (BRCA2 DNA repair associated; plus strand). Cytogenetic location: 13q13.1.
Variant type: Indel.
Coding change: c.8848delinsCT on transcript NM_000059.4 (MANE Select); coding-DNA position 8848, A replaced by CT.
Protein change: p.Lys2950fs; shifts the reading frame from lysine 2950.
Molecular consequence: frameshift variant.
Genome position (GRCh38, 1-based): chr13:32,379,410, A replaced by CT. VCF-style: chr13-32379410-A-CT. GRCh37 (hg19) VCF-style: chr13-32953547-A-CT.
Other names: 9076delAinsCT; c.8848delAinsCT (NM_000059.3); short protein forms K2950fs.
Identifiers: ClinVar variation 52691 (VCV000052691.10), dbSNP rs276174912, ClinGen allele CA269340.